The following is an entry in ClinVar:

NM_004260.4(RECQL4):c.1394C>T (p.Thr465Met)

Gene: RECQL4 (RecQ like helicase 4; minus strand). Cytogenetic location: 8q24.3.
Variant type: single nucleotide variant.
Coding change: c.1394C>T on transcript NM_004260.4 (MANE Select); coding-DNA position 1394, C replaced by T.
Protein change: p.Thr465Met; replaces threonine 465 with methionine.
Molecular consequence: missense variant.
Genome position (GRCh38, 1-based): chr8:144,515,239, G>A on the plus strand (C>T on the coding strand, the complement: RECQL4 is on the minus strand). VCF-style: chr8-144515239-G-A. GRCh37 (hg19) VCF-style: chr8-145740623-G-A.
Other names: short protein forms T465M.
Identifiers: ClinVar variation 459322 (VCV000459322.17), dbSNP rs899474226, ClinGen allele CA4948870.

ClinVar aggregate classification (germline): Uncertain significance. Review status: criteria provided, multiple submitters, no conflicts (2 of 4 stars). 6 submissions from 6 submitters: Uncertain significance (6). Last evaluated 2025-10-13.

Conditions:
Rapadilino syndrome. Identifiers: Orphanet 3021, MedGen C1849453, MONDO:0009955, OMIM 266280.
Baller-Gerold syndrome (BGS). Also called: CRANIOSYNOSTOSIS WITH RADIAL DEFECTS. Identifiers: Orphanet 1225, MedGen C0265308, MONDO:0009039, OMIM 218600.
Rothmund-Thomson syndrome type 2 (RTS2). Identifiers: Orphanet 221016, MedGen C5203410, MONDO:0016369, OMIM 268400.
Inborn genetic diseases. Identifiers: MedGen C0950123, MeSH D030342.
Hereditary cancer-predisposing syndrome. Also called: Hereditary neoplastic syndrome; Tumor predisposition; Neoplastic Syndromes, Hereditary; Hereditary Cancer Syndrome. Identifiers: Orphanet 140162, MedGen C0027672, MeSH D009386, MONDO:0015356.

Allele frequency attached by ClinVar (database versions not stated): gnomAD 0.00002 and 0.00003; gnomAD exomes 0.00002; ExAC 0.00005; TOPMed 0.00005.
gnomAD v4.1: 33 of 1,593,190 alleles (0.0021%); highest among the groups gnomAD compares: East Asian, 0.018%; no homozygotes.

Submissions (6):

Labcorp Genetics (formerly Invitae), Labcorp
Classification: Uncertain significance for Baller-Gerold syndrome. Last evaluated: 2025-10-13. Review status: criteria provided, single submitter. Criteria: Invitae Variant Classification Sherloc (09022015). Collection method: clinical testing. Allele origin: germline.
Comment: This sequence change replaces threonine, which is neutral and polar, with methionine, which is neutral and non-polar, at codon 465 of the RECQL4 protein (p.Thr465Met). This variant is present in population databases (no rsID available, gnomAD 0.02%). This variant has not been reported in the literature in individuals affected with RECQL4-related conditions. ClinVar contains an entry for this variant (Variation ID: 459322). Invitae Evidence Modeling of protein sequence and biophysical properties (such as structural, functional, and spatial information, amino acid conservation, physicochemical variation, residue mobility, and thermodynamic stability) indicates that this missense variant is expected to disrupt RECQL4 protein function with a positive predictive value of 80%. In summary, the available evidence is currently insufficient to determine the role of this variant in disease. Therefore, it has been classified as a Variant of Uncertain Significance.

Dasa
Classification: Uncertain significance. Last evaluated: 2025-05-16. Review status: criteria provided, single submitter. Criteria: DASA Assertion Criteria. Collection method: clinical testing. Allele origin: germline.
Comment: NM_004260.4(RECQL4):c.1394C>T (p.Thr465Met) is a missense variant that results in the substitution of threonine with methionine. This variant is rare in population databases. Computational prediction algorithms are consistent with a benign effect. The currently available literature and clinical evidence are not sufficient to establish a definitive association between this variant and the reported condition. Therefore, this variant is classified as a variant of uncertain significance.

Ambry Genetics
Classification: Uncertain significance for Inborn genetic diseases. Last evaluated: 2024-12-08. Review status: criteria provided, single submitter. Criteria: Ambry Variant Classification Scheme 2023. Collection method: clinical testing. Allele origin: germline.
Comment: The p.T465M variant (also known as c.1394C>T), located in coding exon 8 of the RECQL4 gene, results from a C to T substitution at nucleotide position 1394. The threonine at codon 465 is replaced by methionine, an amino acid with similar properties. This amino acid position is conserved. In addition, the in silico prediction for this alteration is inconclusive. Based on the available evidence, the clinical significance of this variant remains unclear.

Genetic Services Laboratory, University of Chicago
Classification: Uncertain significance. Last evaluated: 2023-03-08. Review status: criteria provided, single submitter. Criteria: ACMG Guidelines, 2015. Collection method: clinical testing. Allele origin: germline. Affected: no.
Comment: DNA sequence analysis of the RECQL4 gene demonstrated a sequence change, c.1394C>T, in exon 8 that results in an amino acid change, p.Thr465Met. This sequence change does not appear to have been previously described in individuals with RECQL4-related disorders. This sequence change has been described in the gnomAD database with a global frequency of 0.002% (dbSNP rs899474226). The p.Thr465Met change affects a highly conserved amino acid residue located in a domain of the RECQL4 protein that is not known to be functional. In-silico pathogenicity prediction tools (SIFT, PolyPhen2, Align GVGD) provide contradictory results for the p.Thr465Met substitution. Due to insufficient evidences and the lack of functional studies, the clinical significance of the p.Thr465Met change remains unknown at this time.

Sema4
Classification: Uncertain significance for Hereditary cancer-predisposing syndrome. Last evaluated: 2021-09-03. Review status: criteria provided, single submitter. Criteria: Sema4 Curation Guidelines. Collection method: curation. Allele origin: germline.
Comment: The RECQL4 c.1394C>T (p.T465M) variant has not been reported in literature to our knowledge. This variant was observed in 3/16970 chromosomes in the East Asian population according to the Genome Aggregation Database (PMID: 32461654). This variant has been reported in ClinVar (Variation ID 459322). Functional studies have not been performed, and in silico predictions of the variant's effect on protein function are inconclusive. The overall evidence is insufficient to meet ACMG/AMP criteria for classifying it as benign or pathogenic. In summary, the clinical significance of this variant is currently uncertain.

Juno Genomics, Hangzhou Juno Genomics, Inc
Classification: Uncertain significance for Baller-Gerold syndrome; Rapadilino syndrome; Rothmund-Thomson syndrome type 2. Review status: criteria provided, single submitter. Criteria: ACMG Guidelines, 2015. Collection method: clinical testing. Allele origin: germline.
Comment: Absent from controls (or at extremely low frequency if recessive) in Genome Aggregation Database.